The following is an entry in ClinVar:

NM_016120.4(RLIM):c.938G>C (p.Gly313Ala)

Gene: RLIM (ring finger protein, LIM domain interacting; minus strand). Cytogenetic location: Xq13.2.
Variant type: single nucleotide variant.
Coding change: c.938G>C on transcript NM_016120.4 (MANE Select); coding-DNA position 938, G replaced by C.
Protein change: p.Gly313Ala; replaces glycine 313 with alanine.
Molecular consequence: missense variant.
Genome position (GRCh38, 1-based): chrX:74,592,377, C>G on the plus strand (G>C on the coding strand, the complement: RLIM is on the minus strand). VCF-style: chrX-74592377-C-G. GRCh37 (hg19) VCF-style: chrX-73812212-C-G.
Other names: c.938G>C, p.Gly313Ala (NM_183353.3); short protein forms G313A.
Identifiers: ClinVar variation 3390229 (VCV003390229.14).

ClinVar aggregate classification (germline): Uncertain significance (1 of 4 stars; one submission).

gnomAD v4.1: 2 of 1,211,741 alleles (0.00017%); highest among the groups gnomAD compares: Middle Eastern, 0.046%; no homozygotes.

Submission:

CeGaT Center for Human Genetics Tuebingen
Classification: Uncertain significance. Last evaluated: 2024-11-01. Review status: criteria provided, single submitter. Criteria: CeGaT Center For Human Genetics Tuebingen Variant Classification Criteria Version 2. Collection method: clinical testing. Allele origin: germline. Affected: yes. Observed: 1 variant allele.
Comment: RLIM: PM2